The following is an entry in ClinVar:

NM_058246.4(DNAJB6):c.329T>C (p.Phe110Ser)

Gene: DNAJB6 (DnaJ heat shock protein family (Hsp40) member B6; plus strand). Cytogenetic location: 7q36.3.
Variant type: single nucleotide variant.
Coding change: c.329T>C on transcript NM_058246.4 (MANE Select); coding-DNA position 329, T replaced by C.
Protein change: p.Phe110Ser; replaces phenylalanine 110 with serine.
Molecular consequence: missense variant.
Genome position (GRCh38, 1-based): chr7:157,367,466, T>C. VCF-style: chr7-157367466-T-C. GRCh37 (hg19) VCF-style: chr7-157160160-T-C.
Other names: c.329T>C, p.Phe110Ser (NM_001363676.1, NM_005494.3); short protein forms F110S.
Identifiers: ClinVar variation 1509430 (VCV001509430.8), dbSNP rs2116995798, ClinGen allele CA370166233.

ClinVar aggregate classification (germline): Uncertain significance (1 of 4 stars; one submission).

Conditions:
Autosomal dominant limb-girdle muscular dystrophy type 1D (DNAJB6) (LGMDD1). Also called: MUSCULAR DYSTROPHY, LIMB-GIRDLE, TYPE 1D; MUSCULAR DYSTROPHY, AUTOSOMAL DOMINANT, WITH RIMMED VACUOLES; Autosomal dominant limb-girdle muscular dystrophy type 1D; Muscular dystrophy, limb-girdle, autosomal dominant 1. Identifiers: Orphanet 34516, MedGen C4721885, MONDO:0021018, OMIM 603511.

Submission:

Labcorp Genetics (formerly Invitae), Labcorp
Classification: Uncertain significance for Autosomal dominant limb-girdle muscular dystrophy type 1D (DNAJB6). Last evaluated: 2021-06-28. Review status: criteria provided, single submitter. Criteria: Invitae Variant Classification Sherloc (09022015). Collection method: clinical testing. Allele origin: germline.
Comment: This sequence change replaces phenylalanine with serine at codon 110 of the DNAJB6 protein (p.Phe110Ser). The phenylalanine residue is highly conserved and there is a large physicochemical difference between phenylalanine and serine. This variant is not present in population databases (ExAC no frequency). This variant has not been reported in the literature in individuals with DNAJB6-related conditions. Algorithms developed to predict the effect of missense changes on protein structure and function are either unavailable or do not agree on the potential impact of this missense change (SIFT: "Deleterious"; PolyPhen-2: "Benign"; Align-GVGD: "Class C35"). In summary, the available evidence is currently insufficient to determine the role of this variant in disease. Therefore, it has been classified as a Variant of Uncertain Significance.